The following is an entry in ClinVar:

ClinVar aggregate classification (germline): Likely benign. Review status: criteria provided, multiple submitters, no conflicts (2 of 4 stars). 3 submissions from 3 submitters: Likely benign (3). Last evaluated 2025-10-21.

Conditions:
FOXN1-related disorder. Also called: FOXN1-related condition.
T-cell immunodeficiency, congenital alopecia, and nail dystrophy. Also called: Congenital alopecia and nail dystrophy associated with severe functional T-cell immunodeficiency; Pignata Guarino syndrome. Identifiers: Orphanet 169095, MedGen C1866426, MONDO:0011132, OMIM 601705.

Allele frequency attached by ClinVar (database versions not stated): gnomAD exomes 0.00004 and 0.00007.
gnomAD v4.1: 64 of 1,614,040 alleles (0.004%); highest among the groups gnomAD compares: South Asian, 0.018%; no homozygotes.

Submissions (3):

Labcorp Genetics (formerly Invitae), Labcorp
Classification: Likely benign for T-cell immunodeficiency, congenital alopecia, and nail dystrophy. Last evaluated: 2025-10-21. Review status: criteria provided, single submitter. Criteria: Invitae Variant Classification Sherloc (09022015). Collection method: clinical testing. Allele origin: germline.

PreventionGenetics, part of Exact Sciences
Classification: Likely benign for FOXN1-related condition. Last evaluated: 2025-05-28. Review status: criteria provided, single submitter. Criteria: ACMG Guidelines, 2015. Collection method: clinical testing. Allele origin: germline.
Comment: This variant is classified as likely benign based on ACMG/AMP sequence variant interpretation guidelines (Richards et al. 2015 PMID: 25741868, with internal and published modifications).

Breakthrough Genomics
Classification: Likely benign. Review status: criteria provided, single submitter. Criteria: ACMG Guidelines, 2015. Collection method: not provided. Allele origin: germline. Inheritance: Autosomal recessive inheritance. Affected: yes.

NM_001369369.1(FOXN1):c.786C>T (p.Thr262=)

Gene: FOXN1 (forkhead box N1; plus strand). Cytogenetic location: 17q11.2.
Variant type: single nucleotide variant.
Coding change: c.786C>T on transcript NM_001369369.1 (MANE Select); coding-DNA position 786, C replaced by T.
Protein change: p.Thr262=; no amino-acid change (threonine 262 retained).
Molecular consequence: synonymous variant.
Genome position (GRCh38, 1-based): chr17:28,529,180, C>T. VCF-style: chr17-28529180-C-T. GRCh37 (hg19) VCF-style: chr17-26856198-C-T.
Other names: c.786C>T, p.Thr262= (NM_003593.3); c.786C>T (NM_003593.2).
Identifiers: ClinVar variation 1096617 (VCV001096617.9), dbSNP rs779732404, ClinGen allele CA8459345.